The following is an entry in ClinVar:

ClinVar aggregate classification (germline): Uncertain significance (1 of 4 stars; one submission).

Allele frequency attached by ClinVar (database versions not stated): ExAC 0.00001; gnomAD exomes 0.00001.
gnomAD v4.1: 14 of 1,614,144 alleles (0.00087%); highest among the groups gnomAD compares: East Asian, 0.0022%; no homozygotes.

Submission:

Labcorp Genetics (formerly Invitae), Labcorp
Classification: Uncertain significance. Last evaluated: 2023-07-27. Review status: criteria provided, single submitter. Criteria: Invitae Variant Classification Sherloc (09022015). Collection method: clinical testing. Allele origin: germline.
Comment: In summary, the available evidence is currently insufficient to determine the role of this variant in disease. Therefore, it has been classified as a Variant of Uncertain Significance. Variants that disrupt the consensus splice site are a relatively common cause of aberrant splicing (PMID: 17576681, 9536098). Algorithms developed to predict the effect of sequence changes on RNA splicing suggest that this variant is not likely to affect RNA splicing. This variant has not been reported in the literature in individuals affected with CSF1R-related conditions. This variant is present in population databases (rs774922920, gnomAD 0.003%). This sequence change falls in intron 11 of the CSF1R gene. It does not directly change the encoded amino acid sequence of the CSF1R protein. It affects a nucleotide within the consensus splice site.

Literature cited by the submitters: PubMed 17576681; PubMed 9536098.

NM_001288705.3(CSF1R):c.1627-3C>T

Gene: CSF1R (colony stimulating factor 1 receptor; minus strand). Cytogenetic location: 5q32.
Variant type: single nucleotide variant.
Coding change: c.1627-3C>T on transcript NM_001288705.3 (MANE Select); 3 bases into the intron before coding-DNA position 1627, C replaced by T.
Molecular consequence: intron variant.
Genome position (GRCh38, 1-based): chr5:150,061,852, G>A on the plus strand (C>T on the coding strand, the complement: CSF1R is on the minus strand). VCF-style: chr5-150061852-G-A. GRCh37 (hg19) VCF-style: chr5-149441415-G-A.
Other names: c.1627-3C>T (NM_005211.4, NM_001375320.1, NM_001349736.2); c.1183-3C>T (NM_001375321.1).
Identifiers: ClinVar variation 3004080 (VCV003004080.3), dbSNP rs774922920, ClinGen allele CA3506751.